The following is an entry in ClinVar:

ClinVar aggregate classification (germline): Uncertain significance (1 of 4 stars; one submission).

Conditions:
Autosomal dominant Parkinson disease 8. Also called: LRRK2-Related Parkinson Disease; Parkinson disease 8; Parkinson disease 8, susceptibility to. Identifiers: Orphanet 411602, MedGen C1846862, MONDO:0011764, OMIM 607060.

Submission:

Labcorp Genetics (formerly Invitae), Labcorp
Classification: Uncertain significance for Autosomal dominant Parkinson disease 8. Last evaluated: 2022-06-10. Review status: criteria provided, single submitter. Criteria: Invitae Variant Classification Sherloc (09022015). Collection method: clinical testing. Allele origin: germline.
Comment: This sequence change replaces lysine, which is basic and polar, with arginine, which is basic and polar, at codon 1601 of the LRRK2 protein (p.Lys1601Arg). In summary, the available evidence is currently insufficient to determine the role of this variant in disease. Therefore, it has been classified as a Variant of Uncertain Significance. Algorithms developed to predict the effect of sequence changes on RNA splicing suggest that this variant may disrupt the consensus splice site. Algorithms developed to predict the effect of missense changes on protein structure and function output the following: SIFT: "Tolerated"; PolyPhen-2: "Benign"; Align-GVGD: "Class C0". The arginine amino acid residue is found in multiple mammalian species, which suggests that this missense change does not adversely affect protein function. This variant has not been reported in the literature in individuals affected with LRRK2-related conditions. This variant is not present in population databases (gnomAD no frequency).

NM_198578.4(LRRK2):c.4802A>G (p.Lys1601Arg)

Gene: LRRK2 (leucine rich repeat kinase 2; plus strand). Cytogenetic location: 12q12.
Variant type: single nucleotide variant.
Coding change: c.4802A>G on transcript NM_198578.4 (MANE Select); coding-DNA position 4802, A replaced by G.
Protein change: p.Lys1601Arg; replaces lysine 1601 with arginine.
Molecular consequence: missense variant.
Genome position (GRCh38, 1-based): chr12:40,315,275, A>G. VCF-style: chr12-40315275-A-G. GRCh37 (hg19) VCF-style: chr12-40709077-A-G.
Other names: short protein forms K1601R.
Identifiers: ClinVar variation 1976484 (VCV001976484.5), dbSNP rs2499853136, ClinGen allele CA384419315.